The following is an entry in ClinVar:

NM_000235.4(LIPA):c.956A>G (p.His319Arg)

Gene: LIPA (lipase A, lysosomal acid type; minus strand). Cytogenetic location: 10q23.31.
Variant type: single nucleotide variant.
Coding change: c.956A>G on transcript NM_000235.4 (MANE Select); coding-DNA position 956, A replaced by G.
Protein change: p.His319Arg; replaces histidine 319 with arginine.
Molecular consequence: missense variant.
Genome position (GRCh38, 1-based): chr10:89,215,948, T>C on the plus strand (A>G on the coding strand, the complement: LIPA is on the minus strand). VCF-style: chr10-89215948-T-C. GRCh37 (hg19) VCF-style: chr10-90975705-T-C.
Other names: c.956A>G, p.His319Arg (NM_001127605.3); c.608A>G, p.His203Arg (NM_001288979.2); short protein forms H203R, H319R.
Identifiers: ClinVar variation 1369467 (VCV001369467.8), dbSNP rs1842620342, ClinGen allele CA377516480.
Genomic context (GRCh38, chr10:89,215,948, plus strand): 5'-TCTTGATGAGTTTTCAGGGCCCCCTTTAATGAAAAGACTAAAAACTTTACCTGGTTGTAA[T>C]GAAAATAATTCTTGGCACTGCTTCCCCAGTCAAAGGCTTGAAACTTTTGGAATTTAACAG-3'
Protein context (NP_000226.2, residues 309-329): DWGSSAKNYF[His319Arg]YNQSYPPTYN

ClinVar aggregate classification (germline): Uncertain significance (1 of 4 stars; one submission).

Conditions:
Wolman disease (WOLD). Also called: Wolman disease with hypolipoproteinemia and acanthocytosis; Acid cholesteryl ester hydrolase deficiency, Wolman type; Acid lipase disease; LYSOSOMAL ACID LIPASE DEFICIENCY, ACUTE INFANTILE; LYSOSOMAL ACID LIPASE DEFICIENCY, COMPLETE; LIPA DEFICIENCY, COMPLETE. Identifiers: Orphanet 75233, MedGen C0043208, MONDO:0019148, OMIM 620151.

Allele frequency attached by ClinVar (database versions not stated): TOPMed below 0.00001.

Submission:

Labcorp Genetics (formerly Invitae), Labcorp
Classification: Uncertain significance for Wolman disease. Last evaluated: 2021-02-03. Review status: criteria provided, single submitter. Criteria: Invitae Variant Classification Sherloc (09022015). Collection method: clinical testing. Allele origin: germline.
Comment: In summary, the available evidence is currently insufficient to determine the role of this variant in disease. Therefore, it has been classified as a Variant of Uncertain Significance. Algorithms developed to predict the effect of missense changes on protein structure and function are either unavailable or do not agree on the potential impact of this missense change (SIFT: "Tolerated"; PolyPhen-2: "Possibly Damaging"; Align-GVGD: "Class C0"). This variant has not been reported in the literature in individuals with LIPA-related conditions. This variant is not present in population databases (ExAC no frequency). This sequence change replaces histidine with arginine at codon 319 of the LIPA protein (p.His319Arg). The histidine residue is moderately conserved and there is a small physicochemical difference between histidine and arginine.